The following is an entry in ClinVar:

NM_006206.6(PDGFRA):c.88A>G (p.Ile30Val)

Gene: PDGFRA (platelet derived growth factor receptor alpha; plus strand). Cytogenetic location: 4q12.
Variant type: single nucleotide variant.
Coding change: c.88A>G on transcript NM_006206.6 (MANE Select); coding-DNA position 88, A replaced by G.
Protein change: p.Ile30Val; replaces isoleucine 30 with valine.
Molecular consequence: missense variant.
Genome position (GRCh38, 1-based): chr4:54,261,133, A>G. VCF-style: chr4-54261133-A-G. GRCh37 (hg19) VCF-style: chr4-55127300-A-G.
Other names: c.88A>G, p.Ile30Val (NM_001347827.2, NM_001347829.2); c.163A>G, p.Ile55Val (NM_001347828.2); c.127A>G, p.Ile43Val (NM_001347830.2); short protein forms I30V, I43V, I55V.
Identifiers: ClinVar variation 407376 (VCV000407376.15), dbSNP rs780747709, ClinGen allele CA2922231.

ClinVar aggregate classification (germline): Conflicting classifications of pathogenicity. Review status: criteria provided, conflicting classifications (1 of 4 stars). 4 submissions from 4 submitters: Uncertain significance (3); Likely benign (1). Last evaluated 2025-06-02.

Conditions:
Polyps, multiple and recurrent inflammatory fibroid, gastrointestinal. Identifiers: MedGen C5193005, MONDO:0008285, OMIM 175510.
Hereditary cancer-predisposing syndrome. Also called: Neoplastic Syndromes, Hereditary; Hereditary Cancer Syndrome; Hereditary neoplastic syndrome; Tumor predisposition. Identifiers: Orphanet 140162, MedGen C0027672, MeSH D009386, MONDO:0015356.
Gastrointestinal stromal tumor. Also called: Gastrointestinal stromal tumor, somatic; Gastrointestinal stroma tumor. Identifiers: Orphanet 44890, MedGen C0238198, MeSH D046152, MONDO:0011719, OMIM 606764, HP:0100723.

Allele frequency attached by ClinVar (database versions not stated): ExAC 0.00001; gnomAD exomes 0.00001; TOPMed 0.00002.
gnomAD v4.1: 10 of 1,614,112 alleles (0.00062%); highest among the groups gnomAD compares: Admixed American, 0.0017%; no homozygotes.

Submissions (4):

Labcorp Genetics (formerly Invitae), Labcorp
Classification: Uncertain significance for Gastrointestinal stromal tumor. Last evaluated: 2025-06-02. Review status: criteria provided, single submitter. Criteria: Invitae Variant Classification Sherloc (09022015). Collection method: clinical testing. Allele origin: germline.
Comment: This sequence change replaces isoleucine, which is neutral and non-polar, with valine, which is neutral and non-polar, at codon 30 of the PDGFRA protein (p.Ile30Val). This variant is present in population databases (rs780747709, gnomAD 0.0009%). This variant has not been reported in the literature in individuals affected with PDGFRA-related conditions. ClinVar contains an entry for this variant (Variation ID: 407376). An algorithm developed to predict the effect of missense changes on protein structure and function outputs the following: PolyPhen-2: "Benign". The valine amino acid residue is found in multiple mammalian species, which suggests that this missense change does not adversely affect protein function. In summary, the available evidence is currently insufficient to determine the role of this variant in disease. Therefore, it has been classified as a Variant of Uncertain Significance.

Ambry Genetics
Classification: Likely benign for Hereditary cancer-predisposing syndrome. Last evaluated: 2024-03-28. Review status: criteria provided, single submitter. Criteria: Ambry Variant Classification Scheme 2023. Collection method: clinical testing. Allele origin: germline.

GeneDx
Classification: Uncertain significance. Last evaluated: 2023-12-14. Review status: criteria provided, single submitter. Criteria: GeneDx Variant Classification Process June 2021. Collection method: clinical testing. Allele origin: germline. Affected: yes.
Comment: Not observed at significant frequency in large population cohorts (gnomAD); In silico analysis supports that this missense variant does not alter protein structure/function; Has not been previously published as pathogenic or benign to our knowledge

Baylor Genetics
Classification: Uncertain significance for Polyps, multiple and recurrent inflammatory fibroid, gastrointestinal. Last evaluated: 2023-09-08. Review status: criteria provided, single submitter. Criteria: ACMG Guidelines, 2015. Collection method: clinical testing. Allele origin: unknown.